The following is an entry in ClinVar:

NM_138420.4(AHNAK2):c.4419A>G (p.Gly1473=)

Gene: AHNAK2 (AHNAK nucleoprotein 2; minus strand). Cytogenetic location: 14q32.33.
Variant type: single nucleotide variant.
Coding change: c.4419A>G on transcript NM_138420.4 (MANE Select); coding-DNA position 4419, A replaced by G.
Protein change: p.Gly1473=; no amino-acid change (glycine 1473 retained).
Molecular consequence: synonymous variant.
Genome position (GRCh38, 1-based): chr14:104,951,032, T>C on the plus strand (A>G on the coding strand, the complement: AHNAK2 is on the minus strand). VCF-style: chr14-104951032-T-C. GRCh37 (hg19) VCF-style: chr14-105417369-T-C.
Other names: c.4119A>G, p.Gly1373= (NM_001350929.2).
Identifiers: ClinVar variation 3770776 (VCV003770776.13).
Genomic context (GRCh38, chr14:104,951,032, plus strand): 5'-GAACTTGCTGTCTTTGGTAGTCAAGTCCTTGTCGGCCAGGGACATGTCCTCCTCCAGCCG[T>C]CCACCATCCAGCTTGGCTCCTGGGGCCTCGACATCCACCTCCACGCTGGGCAGAGAAACC-3'
Protein context (NP_612429.2, residues 1463-1483): VEAPGAKLDG[Gly1473=]RLEEDMSLAD

ClinVar aggregate classification (germline): Benign (1 of 4 stars; one submission).

gnomAD v4.1: 1,536 of 1,061,794 alleles (0.14%); highest among the groups gnomAD compares: African/African-American, 0.67%; 437 homozygotes.

Submission:

CeGaT Center for Human Genetics Tuebingen
Classification: Benign. Last evaluated: 2025-02-01. Review status: criteria provided, single submitter. Criteria: CeGaT Center For Human Genetics Tuebingen Variant Classification Criteria Version 2. Collection method: clinical testing. Allele origin: germline. Affected: yes. Observed: 1 variant allele.
Comment: AHNAK2: BP4, BP7, BS1, BS2